The following is an entry in ClinVar:

NM_001458.5(FLNC):c.7251+15T>G

Genes: FLNC (filamin C; plus strand), FLNC-AS1 (FLNC antisense RNA 1; minus strand). Cytogenetic location: 7q32.1.
Variant type: single nucleotide variant.
Coding change: c.7251+15T>G on transcript NM_001458.5 (MANE Select); 15 bases into the intron after coding-DNA position 7251, T replaced by G.
Molecular consequence: intron variant.
Genome position (GRCh38, 1-based): chr7:128,855,329, T>G. VCF-style: chr7-128855329-T-G. GRCh37 (hg19) VCF-style: chr7-128495383-T-G.
Other names: c.7152+15T>G (NM_001127487.2).
Identifiers: ClinVar variation 932006 (VCV000932006.3), dbSNP rs1585170629, ClinGen allele CA1139660240.

ClinVar aggregate classification (germline): Uncertain significance (1 of 4 stars; one submission).

Conditions:
Hypertrophic cardiomyopathy 26. Also called: Cardiomyopathy, familial hypertrophic, 26. Identifiers: Orphanet 75249, MedGen C4310749, MONDO:0014883, OMIM 617047.

Submission:

Centre for Mendelian Genomics, University Medical Centre Ljubljana
Classification: Uncertain significance for Hypertrophic cardiomyopathy 26. Last evaluated: 2019-01-09. Review status: criteria provided, single submitter. Criteria: ACMG Guidelines, 2015. Collection method: clinical testing. Allele origin: unknown. Affected: yes.
Comment: This variant was classified as: Uncertain significance. The available evidence on this variant's pathogenicity is insufficient or conflicting. The following ACMG criteria were applied in classifying this variant: BP4.